The following is an entry in ClinVar:

ClinVar aggregate classification (germline): Uncertain significance (1 of 4 stars; one submission).

Conditions:
Cardiovascular phenotype. Identifiers: MedGen CN230736.

gnomAD v4.1: 2 of 1,613,360 alleles (0.00012%); highest among the groups gnomAD compares: South Asian, 0.0022%; no homozygotes.

Submission:

Ambry Genetics
Classification: Uncertain significance for Cardiovascular phenotype. Last evaluated: 2023-09-23. Review status: criteria provided, single submitter. Criteria: Ambry Variant Classification Scheme 2023. Collection method: clinical testing. Allele origin: germline.
Comment: The p.D3734N variant (also known as c.11200G>A), located in coding exon 42 of the ANK2 gene, results from a G to A substitution at nucleotide position 11200. The aspartic acid at codon 3734 is replaced by asparagine, an amino acid with highly similar properties. This amino acid position is conserved. In addition, this alteration is predicted to be tolerated by in silico analysis. Since supporting evidence is limited at this time, the clinical significance of this alteration remains unclear.

NM_001148.6(ANK2):c.11200G>A (p.Asp3734Asn)

Gene: ANK2 (ankyrin 2; plus strand). Cytogenetic location: 4q26.
Variant type: single nucleotide variant.
Coding change: c.11200G>A on transcript NM_001148.6 (MANE Select); coding-DNA position 11200, G replaced by A.
Protein change: p.Asp3734Asn; replaces aspartic acid 3734 with asparagine.
Molecular consequence: missense variant.
Genome position (GRCh38, 1-based): chr4:113,367,733, G>A. VCF-style: chr4-113367733-G-A. GRCh37 (hg19) VCF-style: chr4-114288889-G-A.
Other names: c.4918G>A, p.Asp1640Asn (NM_001127493.3); c.4957G>A, p.Asp1653Asn (NM_001354225.2); c.4846G>A, p.Asp1616Asn (NM_001354228.2, NM_001354258.2); c.4924G>A, p.Asp1642Asn (NM_001354230.2); c.4987G>A, p.Asp1663Asn (NM_001354231.2, NM_001354242.2); c.4981G>A, p.Asp1661Asn (NM_001354232.2); c.4942G>A, p.Asp1648Asn (NM_001354235.2, NM_001354246.2, NM_001354265.2); c.4843G>A, p.Asp1615Asn (NM_001354236.2); and 35 more; short protein forms D1488N, D1521N, D1549N, D1554N, D1562N, D1571N, D1574N, D1576N.
Identifiers: ClinVar variation 3220956 (VCV003220956.1), dbSNP rs767353282, ClinGen allele CA357942181.